The following is an entry in ClinVar:

NM_032043.3(BRIP1):c.1589T>A (p.Leu530His)

Gene: BRIP1 (BRCA1 interacting DNA helicase 1; minus strand). Cytogenetic location: 17q23.2.
Variant type: single nucleotide variant.
Coding change: c.1589T>A on transcript NM_032043.3 (MANE Select); coding-DNA position 1589, T replaced by A.
Protein change: p.Leu530His; replaces leucine 530 with histidine.
Molecular consequence: missense variant.
Genome position (GRCh38, 1-based): chr17:61,784,309, A>T on the plus strand (T>A on the coding strand, the complement: BRIP1 is on the minus strand). VCF-style: chr17-61784309-A-T. GRCh37 (hg19) VCF-style: chr17-59861670-A-T.
Other names: short protein forms L530H.
Identifiers: ClinVar variation 3825698 (VCV003825698.1).

ClinVar aggregate classification (germline): Uncertain significance (1 of 4 stars; one submission).

Conditions:
Hereditary cancer-predisposing syndrome. Also called: Hereditary neoplastic syndrome; Neoplastic Syndromes, Hereditary; Tumor predisposition; Hereditary Cancer Syndrome. Identifiers: Orphanet 140162, MedGen C0027672, MeSH D009386, MONDO:0015356.

Submission:

Ambry Genetics
Classification: Uncertain significance for Hereditary cancer-predisposing syndrome. Last evaluated: 2025-02-20. Review status: criteria provided, single submitter. Criteria: Ambry Variant Classification Scheme 2023. Collection method: clinical testing. Allele origin: germline.
Comment: The p.L530H variant (also known as c.1589T>A), located in coding exon 10 of the BRIP1 gene, results from a T to A substitution at nucleotide position 1589. The leucine at codon 530 is replaced by histidine, an amino acid with similar properties. This amino acid position is conserved. In addition, this alteration is predicted to be deleterious by in silico analysis. Based on the available evidence, the clinical significance of this variant remains unclear.